The following is an entry in ClinVar:

NM_000404.4(GLB1):c.1417del (p.Leu473fs)

Gene: GLB1 (galactosidase beta 1; minus strand). Cytogenetic location: 3p22.3.
Variant type: Deletion.
Coding change: c.1417del on transcript NM_000404.4 (MANE Select); coding-DNA position 1417, one base deleted (C; older notation c.1417delC).
Protein change: p.Leu473fs; shifts the reading frame from leucine 473.
Molecular consequence: frameshift variant.
Genome position (GRCh38, 1-based): chr3:33,016,771, G deleted on the plus strand (C on the coding strand, the reverse complement: GLB1 is on the minus strand). VCF-style (leftmost placement, unchanged base first): chr3-33016770-AG-A. GRCh37 (hg19) VCF-style: chr3-33058262-AG-A.
Other names: c.1327del, p.Leu443fs (NM_001079811.3); c.1024del, p.Leu342fs (NM_001135602.3); c.1561del, p.Leu521fs (NM_001317040.2); c.1417del, p.Leu473fs (NM_001393580.1); short protein forms L443fs, L473fs, L521fs, L342fs.
Identifiers: ClinVar variation 2052850 (VCV002052850.4), dbSNP rs2471255691, ClinGen allele CA2580069257.

ClinVar aggregate classification (germline): Pathogenic (1 of 4 stars; one submission).

Conditions:
GM1 gangliosidosis. Identifiers: Orphanet 354, MedGen C0085131, MONDO:0018149.
Mucopolysaccharidosis, MPS-IV-B (MPS4B). Also called: MORQUIO SYNDROME B; Mucopolysaccharidosis Type IVB (Morquio B Disease); Mucopolysaccharidosis type IV B; Mucopolysaccharidosis Type IVB; Mucopolysaccharidosis type 4B; Mucopolysaccharidosis type IVB (Morquio). Identifiers: Orphanet 309310, Orphanet 582, MedGen C0086652, MONDO:0009660, OMIM 253010.

Submission:

Labcorp Genetics (formerly Invitae), Labcorp
Classification: Pathogenic for Mucopolysaccharidosis, MPS-IV-B; GM1 gangliosidosis. Last evaluated: 2023-10-03. Review status: criteria provided, single submitter. Criteria: Invitae Variant Classification Sherloc (09022015). Collection method: clinical testing. Allele origin: germline.
Comment: This sequence change creates a premature translational stop signal (p.Leu473Trpfs*5) in the GLB1 gene. It is expected to result in an absent or disrupted protein product. Loss-of-function variants in GLB1 are known to be pathogenic (PMID: 18524657). This variant is not present in population databases (gnomAD no frequency). This variant has not been reported in the literature in individuals affected with GLB1-related conditions. ClinVar contains an entry for this variant (Variation ID: 2052850). For these reasons, this variant has been classified as Pathogenic.

Literature cited by the submitters: PubMed 18524657.